The following is an entry in ClinVar:

NM_002069.6(GNAI1):c.244A>T (p.Ile82Phe)

Gene: GNAI1 (G protein subunit alpha i1; plus strand). Cytogenetic location: 7q21.11.
Variant type: single nucleotide variant.
Coding change: c.244A>T on transcript NM_002069.6 (MANE Select); coding-DNA position 244, A replaced by T.
Protein change: p.Ile82Phe; replaces isoleucine 82 with phenylalanine.
Molecular consequence: missense variant.
Genome position (GRCh38, 1-based): chr7:80,189,172, A>T. VCF-style: chr7-80189172-A-T. GRCh37 (hg19) VCF-style: chr7-79818488-A-T.
Other names: c.88A>T, p.Ile30Phe (NM_001256414.2); short protein forms I30F, I82F.
Identifiers: ClinVar variation 4087992 (VCV004087992.1).
Genomic context (GRCh38, chr7:80,189,172, plus strand): 5'-TCAGAAGAGGAGTGTAAACAATACAAAGCAGTGGTCTACAGTAACACCATCCAGTCAATT[A>T]TTGCTATCATTAGGGCTATGGGGAGGTTGAAGATAGACTTTGGTGACTCAGCCCGGGCGG-3'
Protein context (NP_002060.4, residues 72-92): VVYSNTIQSI[Ile82Phe]AIIRAMGRLK

ClinVar aggregate classification (germline): Uncertain significance (1 of 4 stars; one submission).

Submission:

GeneDx
Classification: Uncertain significance. Last evaluated: 2025-03-26. Review status: criteria provided, single submitter. Criteria: GeneDx Variant Classification Process June 2021. Collection method: clinical testing. Allele origin: germline. Affected: yes.
Comment: Not observed at significant frequency in large population cohorts (gnomAD); In silico analysis indicates that this missense variant does not alter protein structure/function; Has not been previously published as pathogenic or benign to our knowledge